The following is an entry in ClinVar:

NM_007294.4(BRCA1):c.5152+6T>C

Gene: BRCA1 (BRCA1 DNA repair associated; minus strand). Cytogenetic location: 17q21.31.
Variant type: single nucleotide variant.
Coding change: c.5152+6T>C on transcript NM_007294.4 (MANE Select); 6 bases into the intron after coding-DNA position 5152, T replaced by C.
Molecular consequence: intron variant.
Genome position (GRCh38, 1-based): chr17:43,063,868, A>G on the plus strand (T>C on the coding strand, the complement: BRCA1 is on the minus strand). VCF-style: chr17-43063868-A-G. GRCh37 (hg19) VCF-style: chr17-41215885-A-G.
Other names: IVS18+6T>C; c.1699+6T>C (NM_001408458.1, NM_001408461.1, NM_001408464.1 and 7 more transcripts); c.4261+6T>C (NM_001407967.1); c.4771+6T>C (NM_001407959.1); c.4885+6T>C (NM_001407931.1, NM_001407932.1, NM_001407928.1 and 4 more transcripts); c.5008+6T>C (NM_001407747.1, NM_001407745.1, NM_001407737.1 and 21 more transcripts); c.4768+6T>C (NM_001407962.1, NM_001407960.1); c.1339+6T>C (NM_001408512.1); and 74 more.
Identifiers: ClinVar variation 125777 (VCV000125777.27), dbSNP rs80358074, ClinGen allele CA003291.
Genomic context (GRCh38, chr17:43,063,868, plus strand): 5'-CGTTAGGTGTAAAAATGCAATTCTGAGGTGTTAAAGGGAGGAGGGGAGAAATAGTATTAT[A>G]CTTACAGAAATAGCTAACTACCCATTTTCCTCCCGCAATTCCTAGAAAATATTTCAGTGT-3'

ClinVar aggregate classification (germline): Pathogenic. Review status: reviewed by expert panel (3 of 4 stars). 8 submissions from 8 submitters: Pathogenic (1). 7 of the submissions do not count toward it. Last evaluated 2025-08-21.

Conditions:
BRCA1-related disorder. Also called: BRCA1-related condition.
BRCA1-related cancer predisposition. Identifiers: MedGen CN377757, MONDO:0700268.
Hereditary cancer-predisposing syndrome. Also called: Tumor predisposition; Hereditary neoplastic syndrome; Hereditary Cancer Syndrome; Neoplastic Syndromes, Hereditary. Identifiers: Orphanet 140162, MedGen C0027672, MeSH D009386, MONDO:0015356.
Hereditary breast ovarian cancer syndrome. Also called: Hereditary breast and/or ovarian cancer syndrome; Breast and ovarian cancer; Hereditary breast and ovarian cancer syndrome; Hereditary breast and ovarian cancer; Hereditary breast and ovarian cancer syndrome (HBOC); BRCA1- and BRCA2-Associated Hereditary Breast and Ovarian Cancer. Identifiers: Orphanet 145, MedGen C0677776, MeSH D061325, MONDO:0003582. Disease mechanism: loss of function.
Breast-ovarian cancer, familial, susceptibility to, 1 (BROVCA1). Also called: BRCA1 Hereditary Breast and Ovarian Cancer; OVARIAN CANCER, SUSCEPTIBILITY TO. Identifiers: Orphanet 145, MedGen C2676676, MONDO:0011450, OMIM 604370. Disease mechanism: loss of function.

gnomAD v4.1: 1 of 1,608,504 alleles (0.000062%); no homozygotes.

Submissions (9):

ClinGen ENIGMA BRCA1 and BRCA2 Variant Curation Expert Panel, ClinGen
Classification: Pathogenic for BRCA1-related cancer predisposition. Last evaluated: 2025-08-21. Review status: reviewed by expert panel. Criteria: CSpec BRCA1/2ACMG Rules Specifications V1.2. Collection method: curation. Allele origin: germline. Inheritance: Autosomal dominant inheritance.
Comment: The c.5152+6T>C variant is an intronic variant occurring in intron 17(18) of the BRCA1 gene. This variant is absent from gnomAD v2.1 (exomes only, non-cancer subset, read depth ≥25) and gnomAD v3.1 (non-cancer subset, read depth ≥25) (PM2_Supporting met). Intronic variant, functional data considered only from assays that measure effect via mRNA and protein. Reported by one calibrated study incorporating mRNA splicing effects to exhibit protein function similar to pathogenic control variants (PMID:30209399) (PS3 met). This BRCA1 intronic variant is located outside of the native donor and acceptor 1,2 splice sites, and has a SpliceAI score of 0.7, predicting an impact on splicing (score threshold >0.20) (PP3 not applied because a PVS1 code is met). This variant is reported to result in aberrant mRNA splicing. RT-PCR demonstrated that the variant impacts splicing by exon skipping (PMIDs: 32123317, 32761968). The percent reference (full-length) and aberrant transcripts produced from the variant allele is not stated, however assessment of gel electrophoresis shows apparent (near) complete splicing effect. The complete splicing effect has been confirmed in an allele-specific RT-PCR assay by an Internal lab contributor. Final code strength determined by the rubric: PVS1 (RNA). Multifactorial likelihood ratio analysis using clinically calibrated data produced a combined LR for this variant of 0.65 (based on Co-occurrence LR=1.07; Family History LR=0.61), which is above the ENIGMA BRCA1/2 VCEP threshold for BP5 (>0.48) and below PP4 (<2.08) (BP5 and PP4 not met; Internal lab contributor). In summary, this variant meets the criteria to be classified as a Pathogenic variant for BRCA1-related cancer predisposition based on the ACMG/AMP criteria applied as specified by the ENIGMA BRCA1/2 VCEP (PM2_Supporting, PS3, PVS1 (RNA)).

Ambry Genetics
Classification: Pathogenic for Hereditary cancer-predisposing syndrome. Last evaluated: 2025-09-25. Review status: criteria provided, single submitter. Criteria: Ambry Variant Classification Scheme 2023. Collection method: clinical testing. Allele origin: germline. Not counted in ClinVar's aggregate classification.
Comment: The c.5152+6T>C intronic pathogenic mutation results from a T to C substitution 6 nucleotides after coding exon 16 in the BRCA1 gene. Two functional studies have found that this nucleotide substitution is deleterious (Findlay GM et al. Nature. 2018 10;562:217-222; Wai HA et al. Genet Med. 2020 06;22:1005-1014). In silico splice site analysis predicts that this alteration will weaken the native splice donor site. RNA studies have demonstrated that this alteration results in abnormal splicing in the set of samples tested (Ambry internal data). This variant is considered to be rare based on population cohorts in the Genome Aggregation Database (gnomAD). This nucleotide position is highly conserved in available vertebrate species. Based on the supporting evidence, this alteration is interpreted as a disease-causing mutation.

Labcorp Genetics (formerly Invitae), Labcorp
Classification: Pathogenic for Hereditary breast ovarian cancer syndrome. Last evaluated: 2024-11-29. Review status: criteria provided, single submitter. Criteria: Invitae Variant Classification Sherloc (09022015). Collection method: clinical testing. Allele origin: germline. Not counted in ClinVar's aggregate classification.
Comment: This sequence change falls in intron 17 of the BRCA1 gene. It does not directly change the encoded amino acid sequence of the BRCA1 protein. RNA analysis indicates that this variant induces altered splicing and likely results in a shortened protein product. This variant is not present in population databases (gnomAD no frequency). This variant has been observed in individual(s) with hereditary breast and ovarian cancer (external communication, internal data). It has also been observed to segregate with disease in related individuals. ClinVar contains an entry for this variant (Variation ID: 125777). Variants that disrupt the consensus splice site are a relatively common cause of aberrant splicing (PMID: 17576681, 9536098). Studies have shown that this variant results in skipping of exon 17, but is expected to preserve the integrity of the reading-frame (PMID: 32123317, 32761968). For these reasons, this variant has been classified as Pathogenic.

Blueprint Genetics
Classification: Likely pathogenic for BRCA1-related disorders. Last evaluated: 2024-07-03. Review status: criteria provided, single submitter. Criteria: ACMG Guidelines, 2015. Collection method: clinical testing. Allele origin: germline. Affected: yes. Observed: 1 variant allele. Not counted in ClinVar's aggregate classification.

Color Diagnostics, LLC DBA Color Health
Classification: Likely pathogenic for Hereditary cancer-predisposing syndrome. Last evaluated: 2023-02-07. Review status: criteria provided, single submitter. Criteria: ACMG Guidelines, 2015. Collection method: clinical testing. Allele origin: germline. Not counted in ClinVar's aggregate classification.
Comment: This variant causes a T to C nucleotide substitution at the +6 position of intron 17 of the BRCA1 gene. Multiple splicing prediction tools indicate this variant may impair RNA splicing. RNA studies have reported that this variant causes aberrant splicing and in-frame skipping of exon 17 (exon 18 based on the BIC nomenclature) (PMID: 32123317, 32761968). The aberrant transcript is expected to result in nonfunctional protein product with p.Asp1692_Trp1718delinsGly in the BRCT1 domain of the BRCA1 protein. This variant has also been reported to result in the loss of BRCA1 protein function in a haploid cell proliferation assay (PMID: 30209399). Other nucleotide substitutions at the same position, c.5152+6T>A and c.5152+6T>G, are also reported to result in loss of BRCA1 function in the same study (PMID: 30209399). This variant has not been identified in the general population by the Genome Aggregation Database (gnomAD). Loss of BRCA1 function is a known mechanism of disease. Based on the available evidence, this variant is classified as Likely Pathogenic.

Kong lab, Department of Laboratory Medicine, National Cancer Center
Classification: Likely pathogenic for Breast-ovarian cancer, familial, susceptibility to, 1. Last evaluated: 2020-08-01. Review status: criteria provided, single submitter. Criteria: ACMG Guidelines, 2015. Collection method: clinical testing. Allele origin: germline. Inheritance: Autosomal dominant inheritance. Observed: 1 heterozygote. Not counted in ClinVar's aggregate classification.
Comment: BRCA1 c.5152+6T>C mRNA transcripts were abnormal compared with their corresponding wild-type transcripts (effect on RNA splicing); this variant produced a combined exon 17 and 19 by exon 18 skipping in BRCA1 and was predicted to be an in-frame deletion (26 amino acids: 1692~1717 a.a.) of the BRCA1 C-terminal (BRCT) domain of BRCA1 (Ryu 2020; PMID: 32761968). This variant does not have frequency information in genome databases, including ExAC and gnomAD, and has not been reported in the literature. Moreover, BRCA1 c.5152+6T>C was not detected in the 393 healthy female Korean controls (Ryu 2020; PMID: 32761968). By employing a saturation-genome-editing technique based on CRISPR-mediated homology-directed repair, Findlay et al suggested that BRCA1 c.5152+6T>C is a loss-of-function variant (PMID: 30209399). Thus, BRCA1 c.5152+6T>C has been classified as likely pathogenic.

Counsyl
Classification: Uncertain significance for Breast-ovarian cancer, familial, susceptibility to, 1. Last evaluated: 2017-04-03. Review status: no assertion criteria provided. Collection method: clinical testing. Allele origin: unknown. Not counted in ClinVar's aggregate classification.

Brotman Baty Institute, University of Washington
No classification provided (evidence only). Condition: Breast-ovarian cancer, familial 1. Review status: no classification provided. Collection method: in vitro. Allele origin: not applicable. Functional consequence: functionally_abnormal. Not counted in ClinVar's aggregate classification.
ClinVar note: "not provided" was previously submitted as the classification for the variant. However, the classification appeared to be based only on an observation of functional data so it was converted to no classification on 2025-07-30.

Breast Cancer Information Core (BIC) (BRCA1)
Classification: Uncertain significance for Breast-ovarian cancer, familial 1. Last evaluated: 2004-11-25. Review status: flagged submission. Collection method: clinical testing. Allele origin: germline. Affected: yes. Observed: 1 variant allele. Not counted in ClinVar's aggregate classification.
ClinVar note: Reason: Older and outlier claim with insufficient supporting evidence

Literature cited by the submitters: PubMed 30209399 (cited by 3 submitters); PubMed 32123317 (cited by 3 submitters); PubMed 17576681 (cited by Labcorp Genetics (formerly Invitae), Labcorp); PubMed 9536098 (cited by Labcorp Genetics (formerly Invitae), Labcorp); PubMed 32761968 (cited by 3 submitters).